The following is an entry in ClinVar:

NM_000484.4(APP):c.2138C>A (p.Ala713Glu)

Gene: APP (amyloid beta precursor protein; minus strand). Cytogenetic location: 21q21.3.
Variant type: single nucleotide variant.
Coding change: c.2138C>A on transcript NM_000484.4 (MANE Select); coding-DNA position 2138, C replaced by A.
Protein change: p.Ala713Glu; replaces alanine 713 with glutamic acid.
Molecular consequence: missense variant.
Genome position (GRCh38, 1-based): chr21:25,891,795, G>T on the plus strand (C>A on the coding strand, the complement: APP is on the minus strand). VCF-style: chr21-25891795-G-T. GRCh37 (hg19) VCF-style: chr21-27264107-G-T.
Other names: c.2066C>A, p.Ala689Glu (NM_001136016.3); c.1745C>A, p.Ala582Glu (NM_001136129.3); c.1970C>A, p.Ala657Glu (NM_001136130.3, NM_001385253.1); c.1808C>A, p.Ala603Glu (NM_001136131.3); c.2084C>A, p.Ala695Glu (NM_001204301.2); c.2027C>A, p.Ala676Glu (NM_001204302.2); c.1859C>A, p.Ala620Glu (NM_001204303.2); c.2081C>A, p.Ala694Glu (NM_201413.3); and 1 more; short protein forms A582E, A620E, A603E, A638E, A689E, A694E, A713E, A657E.
Identifiers: ClinVar variation 3690355 (VCV003690355.2).

ClinVar aggregate classification (germline): Likely pathogenic (1 of 4 stars; one submission).

Conditions:
Alzheimer disease. Also called: Presenile and senile dementia; Alzheimer's disease. Identifiers: Orphanet 1020, MedGen C0002395, MeSH D000544, MONDO:0004975, HP:0002511.

Submission:

Labcorp Genetics (formerly Invitae), Labcorp
Classification: Likely pathogenic for Alzheimer disease. Last evaluated: 2024-02-06. Review status: criteria provided, single submitter. Criteria: Invitae Variant Classification Sherloc (09022015). Collection method: clinical testing. Allele origin: germline.
Comment: This sequence change replaces alanine, which is neutral and non-polar, with glutamic acid, which is acidic and polar, at codon 713 of the APP protein (p.Ala713Glu). This variant is not present in population databases (gnomAD no frequency). This variant has not been reported in the literature in individuals affected with APP-related conditions. Advanced modeling of protein sequence and biophysical properties (such as structural, functional, and spatial information, amino acid conservation, physicochemical variation, residue mobility, and thermodynamic stability) performed at Invitae indicates that this missense variant is expected to disrupt APP protein function with a positive predictive value of 95%. This variant disrupts the p.Ala713 amino acid residue in APP. Other variant(s) that disrupt this residue have been determined to be pathogenic (PMID: 15365148, 25948718). This suggests that this residue is clinically significant, and that variants that disrupt this residue are likely to be disease-causing. In summary, the currently available evidence indicates that the variant is pathogenic, but additional data are needed to prove that conclusively. Therefore, this variant has been classified as Likely Pathogenic.

Literature cited by the submitters: PubMed 15365148; PubMed 25948718.